The following is an entry in ClinVar:

ClinVar aggregate classification (germline): Likely benign. Review status: criteria provided, multiple submitters, no conflicts (2 of 4 stars). 2 submissions from 2 submitters: Likely benign (2). Last evaluated 2026-01-12.

Allele frequency attached by ClinVar (database versions not stated): gnomAD exomes 0.00005 and 0.00013; ExAC 0.00014; TOPMed 0.00042; ESP Exome Variant Server 0.00046; gnomAD 0.00059 and 0.00061; 1000 Genomes Project 0.00100; 1000 Genomes Project 30x 0.00109.
gnomAD v4.1: 160 of 1,602,246 alleles (0.01%); highest among the groups gnomAD compares: African/African-American, 0.18%; no homozygotes.

Submissions (2):

Labcorp Genetics (formerly Invitae), Labcorp
Classification: Likely benign. Last evaluated: 2026-01-12. Review status: criteria provided, single submitter. Criteria: Invitae Variant Classification Sherloc (09022015). Collection method: clinical testing. Allele origin: germline.

GeneDx
Classification: Likely benign. Last evaluated: 2018-04-06. Review status: criteria provided, single submitter. Criteria: GeneDx Variant Classification (06012015). Collection method: clinical testing. Allele origin: germline. Affected: yes.
Comment: This variant is considered likely benign or benign based on one or more of the following criteria: it is a conservative change, it occurs at a poorly conserved position in the protein, it is predicted to be benign by multiple in silico algorithms, and/or has population frequency not consistent with disease.

NM_020117.11(LARS1):c.1284+9A>G

Gene: LARS1 (leucyl-tRNA synthetase 1; minus strand). Cytogenetic location: 5q32.
Variant type: single nucleotide variant.
Coding change: c.1284+9A>G on transcript NM_020117.11 (MANE Select); 9 bases into the intron after coding-DNA position 1284, A replaced by G.
Molecular consequence: intron variant.
Genome position (GRCh38, 1-based): chr5:146,153,165, T>C on the plus strand (A>G on the coding strand, the complement: LARS1 is on the minus strand). VCF-style: chr5-146153165-T-C. GRCh37 (hg19) VCF-style: chr5-145532728-T-C.
Other names: c.1122+9A>G (NM_001317965.2); c.1203+9A>G (NM_016460.4); c.1146+9A>G (NM_001317964.2).
Identifiers: ClinVar variation 680915 (VCV000680915.2), dbSNP rs372974596, ClinGen allele CA3489672.
Genomic context (GRCh38, chr5:146,153,165, plus strand): 5'-ACATGTTAGCTCTTCTTTTTCTCTGATAAAGAGATGGATGTGAATATTCTGAATTATCTA[T>C]GTACTCACCGGCTCAAATGGCAAGACCATGTCATCTCTAATTCCATATTTTGCTCGTAAG-3'